The following is an entry in ClinVar:

NM_020884.7(MYH7B):c.1886C>T (p.Ala629Val)

Gene: MYH7B (myosin heavy chain 7B; plus strand). Cytogenetic location: 20q11.22.
Variant type: single nucleotide variant.
Coding change: c.1886C>T on transcript NM_020884.7 (MANE Select); coding-DNA position 1886, C replaced by T.
Protein change: p.Ala629Val; replaces alanine 629 with valine.
Molecular consequence: missense variant.
Genome position (GRCh38, 1-based): chr20:34,990,132, C>T. VCF-style: chr20-34990132-C-T. GRCh37 (hg19) VCF-style: chr20-33577935-C-T.
Other names: short protein forms A629V.
Identifiers: ClinVar variation 1403182 (VCV001403182.6), dbSNP rs764731014, ClinGen allele CA9827088.

ClinVar aggregate classification (germline): Uncertain significance (1 of 4 stars; one submission).

Allele frequency attached by ClinVar (database versions not stated): gnomAD 0.00002; gnomAD exomes 0.00002 and 0.00005; TOPMed 0.00003; ExAC 0.00006.
gnomAD v4.1: 28 of 1,614,010 alleles (0.0017%); highest among the groups gnomAD compares: Admixed American, 0.022%; no homozygotes.

Submission:

Labcorp Genetics (formerly Invitae), Labcorp
Classification: Uncertain significance. Last evaluated: 2026-01-17. Review status: criteria provided, single submitter. Criteria: Invitae Variant Classification Sherloc (09022015). Collection method: clinical testing. Allele origin: germline.
Comment: This sequence change replaces alanine, which is neutral and non-polar, with valine, which is neutral and non-polar, at codon 671 of the MYH7B protein (p.Ala671Val). This variant is present in population databases (rs764731014, gnomAD 0.03%). This variant has not been reported in the literature in individuals affected with MYH7B-related conditions. ClinVar contains an entry for this variant (Variation ID: 1403182). Invitae Evidence Modeling of protein sequence and biophysical properties (such as structural, functional, and spatial information, amino acid conservation, physicochemical variation, residue mobility, and thermodynamic stability) indicates that this missense variant is not expected to disrupt MYH7B protein function with a negative predictive value of 80%. In summary, the available evidence is currently insufficient to determine the role of this variant in disease. Therefore, it has been classified as a Variant of Uncertain Significance.